The following is an entry in ClinVar:

ClinVar aggregate classification (germline): Conflicting classifications of pathogenicity. Review status: criteria provided, conflicting classifications (1 of 4 stars). 2 submissions from 2 submitters: Uncertain significance (1); Likely benign (1). Last evaluated 2025-09-20.

Conditions:
Peutz-Jeghers syndrome (PJS). Also called: POLYPOSIS, HAMARTOMATOUS INTESTINAL; POLYPS-AND-SPOTS SYNDROME; Peutz-Jeghers polyposis; Periorificial lentiginosis syndrome. Identifiers: Orphanet 2869, MedGen C0031269, MeSH D010580, MONDO:0008280, OMIM 175200.

Submissions (2):

Labcorp Genetics (formerly Invitae), Labcorp
Classification: Likely benign for Peutz-Jeghers syndrome. Last evaluated: 2025-09-20. Review status: criteria provided, single submitter. Criteria: Invitae Variant Classification Sherloc (09022015). Collection method: clinical testing. Allele origin: germline.

GeneDx
Classification: Uncertain significance. Last evaluated: 2015-12-01. Review status: criteria provided, single submitter. Criteria: GeneDx Variant Classification (06012015). Collection method: clinical testing. Allele origin: germline. Affected: yes.
Comment: This variant is denoted STK11 c.375-10A>G or IVS2-10A>G and consists of a A>G nucleotide substitution at the -10 position of intron 2 of the STK11 gene. STK11 c.375-10A>G was not observed in approximately 6,500 individuals of European and African American ancestry in the NHLBI Exome Sequencing Project, indicating it is not a common benign variant in these populations. This variant has not, to our knowledge, been published in the literature as pathogenic or benign. The adenine (A) nucleotide that is altered is not conserved across species. This intronic variant has the potential to cause incorrect splicing, but in silico splicing models are uninformative. Therefore, based on currently available information, it is unclear whether STK11 c.375-10A>G is a pathogenic or benign variant. We consider it to be a variant of uncertain significance.

NM_000455.5(STK11):c.375-10A>G

Gene: STK11 (serine/threonine kinase 11; plus strand). Cytogenetic location: 19p13.3.
Variant type: single nucleotide variant.
Coding change: c.375-10A>G on transcript NM_000455.5 (MANE Select); 10 bases into the intron before coding-DNA position 375, A replaced by G.
Molecular consequence: intron variant.
Genome position (GRCh38, 1-based): chr19:1,219,314, A>G. VCF-style: chr19-1219314-A-G. GRCh37 (hg19) VCF-style: chr19-1219313-A-G.
Identifiers: ClinVar variation 234649 (VCV000234649.3), dbSNP rs876661140, ClinGen allele CA10577594.